The following is an entry in ClinVar:

NM_014946.4(SPAST):c.1688-2A>G

Gene: SPAST (spastin; plus strand). Cytogenetic location: 2p22.3.
Variant type: single nucleotide variant.
Coding change: c.1688-2A>G on transcript NM_014946.4 (MANE Select); the canonical splice acceptor site of the intron before coding-DNA position 1688, A replaced by G.
Molecular consequence: splice acceptor variant.
Genome position (GRCh38, 1-based): chr2:32,147,216, A>G. VCF-style: chr2-32147216-A-G. GRCh37 (hg19) VCF-style: chr2-32372285-A-G.
Other names: 1813, A-G, -2; c.1685-2A>G (NM_001363823.2); c.1589-2A>G (NM_001363875.2); c.1592-2A>G (NM_199436.2); c.1521-2A>G (NM_001377959.1).
Identifiers: ClinVar variation 5661 (VCV000005661.53), dbSNP rs587777752, ClinGen allele CA253553.

ClinVar aggregate classification (germline): Pathogenic. Review status: criteria provided, multiple submitters, no conflicts (2 of 4 stars). 5 submissions from 5 submitters: Pathogenic (4). 1 of the submissions does not count toward it. Last evaluated 2026-01-01.

Conditions:
Hereditary spastic paraplegia 4. Also called: Spastic paraplegia 4, autosomal dominant; Spastic Paraplegia 4; Familial spastic paraplegia autosomal dominant 2. Identifiers: Orphanet 100985, MedGen C1866855, MONDO:0008438, OMIM 182601.

Submissions (5):

CeGaT Center for Human Genetics Tuebingen
Classification: Pathogenic. Last evaluated: 2026-01-01. Review status: criteria provided, single submitter. Criteria: CeGaT Center For Human Genetics Tuebingen Variant Classification Criteria Version 2. Collection method: clinical testing. Allele origin: germline. Affected: yes. Observed: 2 variant alleles.
Comment: SPAST: PVS1, PM2, PS4:Moderate

Greenwood Genetic Center Diagnostic Laboratories, Greenwood Genetic Center
Classification: Pathogenic for Hereditary spastic paraplegia 4. Last evaluated: 2025-05-06. Review status: criteria provided, single submitter. Criteria: ACMG Guidelines, 2015. Collection method: clinical testing. Allele origin: germline. Affected: yes.
Comment: PVS1, PS4_Supporting, PM2

Labcorp Genetics (formerly Invitae), Labcorp
Classification: Pathogenic for Hereditary spastic paraplegia 4. Last evaluated: 2022-07-25. Review status: criteria provided, single submitter. Criteria: Invitae Variant Classification Sherloc (09022015). Collection method: clinical testing. Allele origin: germline.
Comment: Algorithms developed to predict the effect of sequence changes on RNA splicing suggest that this variant may disrupt the consensus splice site. ClinVar contains an entry for this variant (Variation ID: 5661). Disruption of this splice site has been observed in individuals with hereditary spastic paraplegia (PMID: 10610178). This variant is not present in population databases (gnomAD no frequency). This sequence change affects an acceptor splice site in intron 15 of the SPAST gene. It is expected to disrupt RNA splicing. Variants that disrupt the donor or acceptor splice site typically lead to a loss of protein function (PMID: 16199547), and loss-of-function variants in SPAST are known to be pathogenic (PMID: 20932283). For these reasons, this variant has been classified as Pathogenic.

Athena Diagnostics
Classification: Pathogenic. Last evaluated: 2021-09-16. Review status: criteria provided, single submitter. Criteria: Athena Diagnostics Criteria. Collection method: clinical testing. Allele origin: unknown.
Comment: This variant is expected to severely impact normal RNA splicing, and consequently, protein structure and/or function. This variant has not been reported in large, multi-ethnic general populations. This variant has been identified in at least one individual with clinical features associated with this gene. In some published literature, this variant is referred to as c.1813-2A>G.

OMIM
Classification: Pathogenic for SPASTIC PARAPLEGIA 4. Last evaluated: 1999-11-01. Review status: no assertion criteria provided. Collection method: literature only. Allele origin: germline. Not counted in ClinVar's aggregate classification.

Literature cited by the submitters: PubMed 10610178 (cited by 3 submitters); PubMed 16199547 (cited by Labcorp Genetics (formerly Invitae), Labcorp); PubMed 20932283 (cited by Labcorp Genetics (formerly Invitae), Labcorp); PubMed 10699187 (cited by Athena Diagnostics).